The following is an entry in ClinVar:

NM_001348716.2(KDM6B):c.3945-2A>T

Genes: KDM6B (lysine demethylase 6B; plus strand), LOC121587574 (Sharpr-MPRA regulatory region 3930; plus strand). Cytogenetic location: 17p13.1.
Variant type: single nucleotide variant.
Coding change: c.3945-2A>T on transcript NM_001348716.2 (MANE Select); the canonical splice acceptor site of the intron before coding-DNA position 3945, A replaced by T.
Molecular consequence: splice acceptor variant.
Genome position (GRCh38, 1-based): chr17:7,851,476, A>T. VCF-style: chr17-7851476-A-T. GRCh37 (hg19) VCF-style: chr17-7754794-A-T.
Other names: c.3945-2A>T (NM_001080424.2).
Identifiers: ClinVar variation 1684499 (VCV001684499.1), dbSNP rs2151379290, ClinGen allele CA397926389.

ClinVar aggregate classification (germline): Likely pathogenic (1 of 4 stars; one submission).

Conditions:
Neurodevelopmental disorder with coarse facies and mild distal skeletal abnormalities. Also called: STOLERMAN NEURODEVELOPMENTAL SYNDROME. Identifiers: MedGen C5193134, MONDO:0032790, OMIM 618505.

Submission:

HudsonAlpha Institute for Biotechnology
Classification: Likely pathogenic for Neurodevelopmental disorder with coarse facies and mild distal skeletal abnormalities. Last evaluated: 2021-09-24. Review status: criteria provided, single submitter. Criteria: ACMG Guidelines, 2015. Collection method: research. Allele origin: unknown. Affected: yes. Observed: 1 variant allele. Study: HudsonAlpha-AGHI-WGS.
Comment: ACMG codes: PVS1, PM2